The following is an entry in ClinVar:

NM_001365951.3(KIF1B):c.656C>T (p.Ala219Val)

Gene: KIF1B (kinesin family member 1B; plus strand). Cytogenetic location: 1p36.22.
Variant type: single nucleotide variant.
Coding change: c.656C>T on transcript NM_001365951.3 (MANE Select); coding-DNA position 656, C replaced by T.
Protein change: p.Ala219Val; replaces alanine 219 with valine.
Molecular consequence: missense variant.
Genome position (GRCh38, 1-based): chr1:10,268,199, C>T. VCF-style: chr1-10268199-C-T. GRCh37 (hg19) VCF-style: chr1-10328257-C-T.
Other names: c.656C>T, p.Ala219Val (NM_001365952.1, NM_001365953.1, NM_015074.3 and 1 more transcripts); short protein forms A219V.
Identifiers: ClinVar variation 1754231 (VCV001754231.2), dbSNP rs2521052754, ClinGen allele CA338330362.
Genomic context (GRCh38, chr1:10,268,199, plus strand): 5'-TATGTTTATTTAGGACAGTGGCAGCTACAAACATGAATGAAACAAGTAGCCGTTCCCACG[C>T]TGTGTTTACGATTGTTTTCACCCAGAAGAAACACGATAATGAGACCAACCTTTCCACTGA-3'
Protein context (NP_001352880.1, residues 209-229): NMNETSSRSH[Ala219Val]VFTIVFTQKK

ClinVar aggregate classification (germline): Uncertain significance (1 of 4 stars; one submission).

Submission:

Ambry Genetics
Classification: Uncertain significance. Last evaluated: 2022-04-10. Review status: criteria provided, single submitter. Criteria: Ambry Variant Classification Scheme 2023. Collection method: clinical testing. Allele origin: germline.
Comment: The p.A219V variant (also known as c.656C>T), located in coding exon 6 of the KIF1B gene, results from a C to T substitution at nucleotide position 656. The alanine at codon 219 is replaced by valine, an amino acid with similar properties. This amino acid position is conserved. In addition, this alteration is predicted to be deleterious by in silico analysis. Since supporting evidence is limited at this time, the clinical significance of this alteration remains unclear.